The following is an entry in ClinVar:

NM_000525.4(KCNJ11):c.190G>A (p.Val64Met)

Gene: KCNJ11 (potassium inwardly rectifying channel subfamily J member 11; minus strand). Cytogenetic location: 11p15.1.
Variant type: single nucleotide variant.
Coding change: c.190G>A on transcript NM_000525.4 (MANE Select); coding-DNA position 190, G replaced by A.
Protein change: p.Val64Met; replaces valine 64 with methionine.
Molecular consequence: missense variant. On other transcripts: intron variant (3).
Genome position (GRCh38, 1-based): chr11:17,387,902, C>T on the plus strand (G>A on the coding strand, the complement: KCNJ11 is on the minus strand). VCF-style: chr11-17387902-C-T. GRCh37 (hg19) VCF-style: chr11-17409449-C-T.
Other names: NP_000516.3:p.(Val64Met); c.-16-56G>A (NM_001166290.2, NM_001377297.1, NM_001377296.1); short protein forms V64M.
Identifiers: ClinVar variation 1525998 (VCV001525998.2), dbSNP rs115716690, ClinGen allele CA379775801.

ClinVar aggregate classification (germline): Likely pathogenic. Review status: criteria provided, multiple submitters, no conflicts (2 of 4 stars). 2 submissions from 2 submitters: Likely pathogenic (2). Last evaluated 2023-01-01.

Conditions:
Neonatal diabetes mellitus (NDM). Identifiers: Orphanet 224, MedGen C0158981, MONDO:0016391.
DEND syndrome. Identifiers: Orphanet 79134, MedGen C4303593, MONDO:0019207.

Submissions (2):

Unidad de Genómica Garrahan, Hospital de Pediatría Garrahan
Classification: Likely pathogenic for DEND syndrome. Last evaluated: 2023-01-01. Review status: criteria provided, single submitter. Criteria: ACMG Guidelines, 2015. Collection method: clinical testing. Allele origin: germline. Affected: yes. Observed: 1 variant allele.
Comment: ACMG/AMP criteria applied: PS4_strong, PM1_moderate, PP2_supporting, PP3_moderate. Variant associated with developmental delay, epilepsy and neonatal diabetes (DEND syndrome; MedGen: C4303593), with good response to oral hypoglycemic agents (PMID:34272607).

Molecular Genetics, Madras Diabetes Research Foundation
Classification: Likely pathogenic for Neonatal diabetes mellitus. Review status: criteria provided, single submitter. Criteria: ACMG Guidelines, 2015. Collection method: clinical testing. Allele origin: germline. Affected: yes.

Literature cited by the submitters: PubMed 41874548 (cited by Unidad de Genómica Garrahan, Hospital de Pediatría Garrahan); PubMed 32893419 (cited by Molecular Genetics, Madras Diabetes Research Foundation).